The following is an entry in ClinVar:

NM_002485.5(NBN):c.2055C>G (p.Phe685Leu)

Gene: NBN (nibrin; minus strand). Cytogenetic location: 8q21.3.
Variant type: single nucleotide variant.
Coding change: c.2055C>G on transcript NM_002485.5 (MANE Select); coding-DNA position 2055, C replaced by G.
Protein change: p.Phe685Leu; replaces phenylalanine 685 with leucine.
Molecular consequence: missense variant.
Genome position (GRCh38, 1-based): chr8:89,946,155, G>C on the plus strand (C>G on the coding strand, the complement: NBN is on the minus strand). VCF-style: chr8-89946155-G-C. GRCh37 (hg19) VCF-style: chr8-90958383-G-C.
Other names: c.1809C>G, p.Phe603Leu (NM_001024688.3); short protein forms F685L, F603L.
Identifiers: ClinVar variation 654230 (VCV000654230.10), dbSNP rs765458801, ClinGen allele CA371676347.

ClinVar aggregate classification (germline): Uncertain significance. Review status: criteria provided, multiple submitters, no conflicts (2 of 4 stars). 2 submissions from 2 submitters: Uncertain significance (2). Last evaluated 2025-05-23.

Conditions:
Hereditary cancer-predisposing syndrome. Also called: Neoplastic Syndromes, Hereditary; Hereditary neoplastic syndrome; Hereditary Cancer Syndrome; Tumor predisposition. Identifiers: Orphanet 140162, MedGen C0027672, MeSH D009386, MONDO:0015356.
Microcephaly, normal intelligence and immunodeficiency (NBS). Also called: BERLIN BREAKAGE SYNDROME; Immunodeficiency, microcephaly with normal intelligence; SEEMANOVA SYNDROME II; Ataxia telangiectasia variant V1; Nijmegen breakage syndrome; IMMUNODEFICIENCY, MICROCEPHALY, AND CHROMOSOMAL INSTABILITY. Identifiers: Orphanet 647, MedGen C0398791, MONDO:0009623, OMIM 251260.

Submissions (2):

Labcorp Genetics (formerly Invitae), Labcorp
Classification: Uncertain significance for Microcephaly, normal intelligence and immunodeficiency. Last evaluated: 2025-05-23. Review status: criteria provided, single submitter. Criteria: Invitae Variant Classification Sherloc (09022015). Collection method: clinical testing. Allele origin: germline.
Comment: This sequence change replaces phenylalanine, which is neutral and non-polar, with leucine, which is neutral and non-polar, at codon 685 of the NBN protein (p.Phe685Leu). This variant is not present in population databases (gnomAD no frequency). This variant has not been reported in the literature in individuals affected with NBN-related conditions. ClinVar contains an entry for this variant (Variation ID: 654230). An algorithm developed to predict the effect of missense changes on protein structure and function (PolyPhen-2) suggests that this variant is likely to be disruptive. In summary, the available evidence is currently insufficient to determine the role of this variant in disease. Therefore, it has been classified as a Variant of Uncertain Significance.

Ambry Genetics
Classification: Uncertain significance for Hereditary cancer-predisposing syndrome. Last evaluated: 2023-07-13. Review status: criteria provided, single submitter. Criteria: Ambry Variant Classification Scheme 2023. Collection method: clinical testing. Allele origin: germline.
Comment: The p.F685L variant (also known as c.2055C>G), located in coding exon 13 of the NBN gene, results from a C to G substitution at nucleotide position 2055. The phenylalanine at codon 685 is replaced by leucine, an amino acid with highly similar properties. This amino acid position is highly conserved in available vertebrate species. In addition, the in silico prediction for this alteration is inconclusive. Since supporting evidence is limited at this time, the clinical significance of this alteration remains unclear.